The following is an entry in ClinVar:

NM_031892.3(SH3KBP1):c.803G>A (p.Ser268Asn)

Gene: SH3KBP1 (SH3 domain containing kinase binding protein 1; minus strand). Cytogenetic location: Xp22.12.
Variant type: single nucleotide variant.
Coding change: c.803G>A on transcript NM_031892.3 (MANE Select); coding-DNA position 803, G replaced by A.
Protein change: p.Ser268Asn; replaces serine 268 with asparagine.
Molecular consequence: missense variant.
Genome position (GRCh38, 1-based): chrX:19,631,958, C>T on the plus strand (G>A on the coding strand, the complement: SH3KBP1 is on the minus strand). VCF-style: chrX-19631958-C-T. GRCh37 (hg19) VCF-style: chrX-19650076-C-T.
Other names: c.692G>A, p.Ser231Asn (NM_001024666.3); c.89G>A, p.Ser30Asn (NM_001184960.2, NM_001353897.2); c.803G>A, p.Ser268Asn (NM_001353890.2); c.878G>A, p.Ser293Asn (NM_001353891.2, NM_001353892.2); c.701G>A, p.Ser234Asn (NM_001353893.2, NM_001353894.2); c.758G>A, p.Ser253Asn (NM_001353895.2); c.935G>A, p.Ser312Asn (NM_001410756.1, NM_001410757.1); c.626G>A, p.Ser209Asn (NM_001410758.1); and 1 more; short protein forms S209N, S312N, S253N, S293N, S268N, S30N, S231N, S234N.
Identifiers: ClinVar variation 2182151 (VCV002182151.5), dbSNP rs11552354, ClinGen allele CA10364716.

ClinVar aggregate classification (germline): Uncertain significance. Review status: criteria provided, multiple submitters, no conflicts (2 of 4 stars). 2 submissions from 2 submitters: Uncertain significance (2). Last evaluated 2025-02-27.

Allele frequency attached by ClinVar (database versions not stated): ExAC 0.00001; gnomAD exomes 0.00001.
gnomAD v4.1: 11 of 1,140,264 alleles (0.00096%); highest among the groups gnomAD compares: African/African-American, 0.018%; no homozygotes.

Submissions (2):

Ambry Genetics
Classification: Uncertain significance. Last evaluated: 2025-02-27. Review status: criteria provided, single submitter. Criteria: Ambry Variant Classification Scheme 2023. Collection method: clinical testing. Allele origin: germline.

Labcorp Genetics (formerly Invitae), Labcorp
Classification: Uncertain significance. Last evaluated: 2024-09-06. Review status: criteria provided, single submitter. Criteria: Invitae Variant Classification Sherloc (09022015). Collection method: clinical testing. Allele origin: germline.
Comment: This sequence change replaces serine, which is neutral and polar, with asparagine, which is neutral and polar, at codon 268 of the SH3KBP1 protein (p.Ser268Asn). The frequency data for this variant in the population databases is considered unreliable, as metrics indicate poor data quality at this position in the gnomAD database. This variant has not been reported in the literature in individuals affected with SH3KBP1-related conditions. ClinVar contains an entry for this variant (Variation ID: 2182151). An algorithm developed to predict the effect of missense changes on protein structure and function (PolyPhen-2) suggests that this variant is likely to be tolerated. In summary, the available evidence is currently insufficient to determine the role of this variant in disease. Therefore, it has been classified as a Variant of Uncertain Significance.